The following is an entry in ClinVar:

NM_000238.4(KCNH2):c.3394C>G (p.Pro1132Ala)

Gene: KCNH2 (potassium voltage-gated channel subfamily H member 2; minus strand). Cytogenetic location: 7q36.1.
Variant type: single nucleotide variant.
Coding change: c.3394C>G on transcript NM_000238.4 (MANE Select); coding-DNA position 3394, C replaced by G.
Protein change: p.Pro1132Ala; replaces proline 1132 with alanine.
Molecular consequence: missense variant.
Genome position (GRCh38, 1-based): chr7:150,945,451, G>C on the plus strand (C>G on the coding strand, the complement: KCNH2 is on the minus strand). VCF-style: chr7-150945451-G-C. GRCh37 (hg19) VCF-style: chr7-150642539-G-C.
Other names: c.2374C>G, p.Pro792Ala (NM_172057.3); short protein forms P1132A, P792A.
Identifiers: ClinVar variation 191469 (VCV000191469.26), dbSNP rs786205422, ClinGen allele CA008269.

ClinVar aggregate classification (germline): Uncertain significance. Review status: criteria provided, multiple submitters, no conflicts (2 of 4 stars). 9 submissions from 9 submitters: Uncertain significance (9). Last evaluated 2026-08-06.

Conditions:
KCNH2-related disorder. Also called: KCNH2-related condition; KCNH2-related disorders.
Cardiac arrhythmia. Also called: Cardiac rhythm disease; Arrhythmia. Identifiers: MedGen C0003811, MONDO:0007263, HP:0011675.
Cardiovascular phenotype. Identifiers: MedGen CN230736.
Long QT syndrome 2 (LQT2). Identifiers: Orphanet 101016, Orphanet 768, MedGen C3150943, MONDO:0013367, OMIM 613688.
Short QT syndrome type 1. Identifiers: Orphanet 51083, MedGen C1865020, MONDO:0012312, OMIM 609620.
Long QT syndrome (LQTS). Identifiers: MedGen C0023976, MeSH D008133, MONDO:0002442. Disease mechanism: loss of function. Inheritance: Various modes of inheritance.

Allele frequency attached by ClinVar (database versions not stated): gnomAD exomes below 0.00001 and 0.00002; gnomAD 0.00001; TOPMed 0.00002.
gnomAD v4.1: 25 of 1,563,778 alleles (0.0016%); highest among the groups gnomAD compares: East Asian, 0.014%; no homozygotes.

Submissions (9):

PreventionGenetics, part of Exact Sciences
Classification: Uncertain significance for KCNH2-related condition. Last evaluated: 2026-08-06. Review status: criteria provided, single submitter. Criteria: ACMG Guidelines, 2015. Collection method: clinical testing. Allele origin: germline.
Comment: The KCNH2 c.3394C>G variant is predicted to result in the amino acid substitution p.Pro1132Ala. This variant has been reported in an individual with long QT syndrome; however, this individual also carried a causative variant in the KCNQ1 gene which could explain the clinical features (Lieve et al. 2013. PubMed ID: 23631430). This variant is reported in 0.0080% of alleles in individuals of East Asian descent in gnomAD. At this time, the clinical significance of this variant is uncertain due to the absence of conclusive functional and genetic evidence.

Women's Health and Genetics/Laboratory Corporation of America, LabCorp
Classification: Uncertain significance. Last evaluated: 2025-11-20. Review status: criteria provided, single submitter. Criteria: LabCorp Variant Classification Summary - May 2015. Collection method: clinical testing. Allele origin: germline.
Comment: Variant summary: KCNH2 c.3394C>G (p.Pro1132Ala) results in a non-conservative amino acid change in the encoded protein sequence. Algorithms developed to predict the effect of missense changes on protein structure and function all suggest that this variant is likely to be disruptive. The variant allele was found at a frequency of 1.8e-05 in 165828 control chromosomes (gnomAD). The available data on variant occurrences in the general population are insufficient to allow any conclusion about variant significance. c.3394C>G has been reported in the literature in individuals affected with Long QT syndrome without strong evidence of causality (Lieve_2013), and one individual had a co-occurring variant that some ClinVar submitters classified as pathogenic/likely pathogenic. This report does not provide unequivocal conclusions about association of the variant with Long QT Syndrome. To our knowledge, no experimental evidence demonstrating an impact on protein function has been reported. The following publications have been ascertained in the context of this evaluation (PMID: 31696929, 23631430, 23861362). ClinVar contains an entry for this variant (Variation ID: 191469). Based on the evidence outlined above, the variant was classified as uncertain significance.

Ambry Genetics
Classification: Uncertain significance for Cardiovascular phenotype. Last evaluated: 2025-09-12. Review status: criteria provided, single submitter. Criteria: Ambry Variant Classification Scheme 2023. Collection method: clinical testing. Allele origin: germline.
Comment: The p.P1132A variant (also known as c.3394C>G), located in coding exon 15 of the KCNH2 gene, results from a C to G substitution at nucleotide position 3394. The proline at codon 1132 is replaced by alanine, an amino acid with highly similar properties. This variant has been reported in an arrhythmia cohort and was also reported to co-occur with a KCNQ1 variant in an individual with mean QTc interval of 500ms (Lieve KV et al. Genet Test Mol Biomarkers, 2013 Jul;17:553-61; Li X et al. Ann Hum Genet, 2020 03;84:161-168). This amino acid position is highly conserved in available vertebrate species. In addition, the in silico prediction for this alteration is inconclusive. Based on the available evidence, the clinical significance of this variant remains unclear.

Labcorp Genetics (formerly Invitae), Labcorp
Classification: Uncertain significance for Long QT syndrome. Last evaluated: 2025-01-23. Review status: criteria provided, single submitter. Criteria: Invitae Variant Classification Sherloc (09022015). Collection method: clinical testing. Allele origin: germline.
Comment: This sequence change replaces proline, which is neutral and non-polar, with alanine, which is neutral and non-polar, at codon 1132 of the KCNH2 protein (p.Pro1132Ala). This variant is present in population databases (rs786205422, gnomAD 0.009%). This missense change has been observed in individual(s) with long QT syndrome (PMID: 23631430, 23861362). ClinVar contains an entry for this variant (Variation ID: 191469). An algorithm developed to predict the effect of missense changes on protein structure and function (PolyPhen-2) suggests that this variant¬†is likely to be tolerated. In summary, the available evidence is currently insufficient to determine the role of this variant in disease. Therefore, it has been classified as a Variant of Uncertain Significance.

Blueprint Genetics
Classification: Uncertain significance. Last evaluated: 2024-11-08. Review status: criteria provided, single submitter. Criteria: ACMG Guidelines, 2015. Collection method: clinical testing. Allele origin: germline.

All of Us Research Program, National Institutes of Health
Classification: Uncertain significance for Long QT syndrome. Last evaluated: 2024-09-23. Review status: criteria provided, single submitter. Criteria: ACMG Guidelines, 2015. Collection method: clinical testing. Allele origin: germline. Inheritance: Autosomal dominant inheritance. Observed: 16 variant alleles, 16 heterozygotes.
Comment: This missense variant replaces proline with alanine at codon 1132 of the KCNH2 protein. Computational prediction is inconclusive regarding the impact of this variant on protein structure and function (internally defined REVEL score threshold 0.5 < inconclusive < 0.7, PMID: 27666373). An experimental functional study has shown that this variant has no impact on channel function (PMID: 34930020). This variant has been reported in an individual affected with long-QT syndrome who also carried a pathogenic missense variant in the KCNQ1 gene (PMID: 23631430). It has also been reported in an individual suspected to be affected with coronary artery disease (PMID: 23861362) and in three individuals with no known arrhythmia phenotypes or other indications for cardiac genetic screening (PMID: 34930020). This variant has been identified in 3/165828 chromosomes in the general population by the Genome Aggregation Database (gnomAD). The available evidence is insufficient to determine the role of this variant in disease conclusively. Therefore, this variant is classified as a Variant of Uncertain Significance.

This study involves interpretation of variants in research participants for the purpose of population health screening. Participant phenotype was not available at the time of variant classification. Additional details can be found in publication PMID: 35346344, PMCID: PMC8962531

Color Diagnostics, LLC DBA Color Health
Classification: Uncertain significance for Cardiac arrhythmia. Last evaluated: 2024-07-03. Review status: criteria provided, single submitter. Criteria: ACMG Guidelines, 2015. Collection method: clinical testing. Allele origin: germline.
Comment: This missense variant replaces proline with alanine at codon 1132 of the KCNH2 protein. Computational prediction is inconclusive regarding the impact of this variant on protein structure and function (internally defined REVEL score threshold 0.5 < inconclusive < 0.7, PMID: 27666373). An experimental functional study has shown that this variant has no impact on channel function (PMID: 34930020). This variant has been reported in an individual affected with long-QT syndrome who also carried a pathogenic missense variant in the KCNQ1 gene (PMID: 23631430). It has also been reported in an individual suspected to be affected with coronary artery disease (PMID: 23861362) and in three individuals with no known arrhythmia phenotypes or other indications for cardiac genetic screening (PMID: 34930020). This variant has been identified in 3/165828 chromosomes in the general population by the Genome Aggregation Database (gnomAD). The available evidence is insufficient to determine the role of this variant in disease conclusively. Therefore, this variant is classified as a Variant of Uncertain Significance.

Fulgent Genetics
Classification: Uncertain significance for Short QT syndrome type 1; Long QT syndrome 2. Last evaluated: 2021-08-12. Review status: criteria provided, single submitter. Criteria: ACMG Guidelines, 2015. Collection method: clinical testing. Allele origin: unknown.

Biesecker Lab/Clinical Genomics Section, National Institutes of Health
Classification: Uncertain significance. Last evaluated: 2013-06-24. Review status: criteria provided, single submitter. Criteria: Ng et al. (Circ Cardiovasc Genet. 2013). Collection method: research. Allele origin: unknown. Observed: 1 variant allele. Study: ClinSeq.
Comment: The study set was not selected for affection status in relation to any cancer. Pathogenicity categories were based on literature curation. See Pubmed ID:23861362 for details.

Medical sequencing

Literature cited by the submitters: PubMed 23861362 (cited by 5 submitters); PubMed 23631430 (cited by 5 submitters); PubMed 31696929 (cited by Women's Health and Genetics/Laboratory Corporation of America, LabCorp and Ambry Genetics); PubMed 34930020 (cited by All of Us Research Program, National Institutes of Health and Color Diagnostics, LLC DBA Color Health).